The following is an entry in ClinVar:

ClinVar aggregate classification (germline): Uncertain significance. Review status: criteria provided, multiple submitters, no conflicts (2 of 4 stars). 2 submissions from 2 submitters: Uncertain significance (2). Last evaluated 2024-05-09.

Conditions:
Long QT syndrome (LQTS). Identifiers: MedGen C0023976, MeSH D008133, MONDO:0002442. Disease mechanism: loss of function. Inheritance: Various modes of inheritance.

Submissions (2):

GeneDx
Classification: Uncertain significance. Last evaluated: 2024-05-09. Review status: criteria provided, single submitter. Criteria: GeneDx Variant Classification Process June 2021. Collection method: clinical testing. Allele origin: germline. Affected: yes.
Comment: Not observed at significant frequency in large population cohorts (gnomAD); In silico analysis supports that this missense variant has a deleterious effect on protein structure/function; Has not been previously published as pathogenic or benign to our knowledge

Labcorp Genetics (formerly Invitae), Labcorp
Classification: Uncertain significance for Long QT syndrome. Last evaluated: 2023-12-22. Review status: criteria provided, single submitter. Criteria: Invitae Variant Classification Sherloc (09022015). Collection method: clinical testing. Allele origin: germline.
Comment: This sequence change replaces isoleucine, which is neutral and non-polar, with serine, which is neutral and polar, at codon 150 of the KCNJ5 protein (p.Ile150Ser). This variant is not present in population databases (gnomAD no frequency). This variant has not been reported in the literature in individuals affected with KCNJ5-related conditions. This missense change has been observed in at least one individual who was not affected with KCNJ5-related conditions (Invitae). Advanced modeling of protein sequence and biophysical properties (such as structural, functional, and spatial information, amino acid conservation, physicochemical variation, residue mobility, and thermodynamic stability) performed at Invitae indicates that this missense variant is expected to disrupt KCNJ5 protein function with a positive predictive value of 80%. In summary, the available evidence is currently insufficient to determine the role of this variant in disease. Therefore, it has been classified as a Variant of Uncertain Significance.

NM_000890.5(KCNJ5):c.449T>G (p.Ile150Ser)

Gene: KCNJ5 (potassium inwardly rectifying channel subfamily J member 5; plus strand). Cytogenetic location: 11q24.3.
Variant type: single nucleotide variant.
Coding change: c.449T>G on transcript NM_000890.5 (MANE Select); coding-DNA position 449, T replaced by G.
Protein change: p.Ile150Ser; replaces isoleucine 150 with serine.
Molecular consequence: missense variant.
Genome position (GRCh38, 1-based): chr11:128,911,722, T>G. VCF-style: chr11-128911722-T-G. GRCh37 (hg19) VCF-style: chr11-128781617-T-G.
Other names: c.449T>G, p.Ile150Ser (NM_001354169.2); short protein forms I150S.
Identifiers: ClinVar variation 2782991 (VCV002782991.4), dbSNP rs1232257803, ClinGen allele CA383248187.
Genomic context (GRCh38, chr11:128,911,722, plus strand): 5'-TTGAAAACCTCAGTGGCTTCGTGTCCGCTTTCCTGTTCTCCATTGAGACCGAAACAACCA[T>G]TGGGTATGGCTTCCGAGTCATCACAGAGAAGTGTCCAGAGGGGATTATACTCCTCTTGGT-3'
Protein context (NP_000881.3, residues 140-160): FLFSIETETT[Ile150Ser]GYGFRVITEK